The following is an entry in ClinVar:

NM_001194.4(HCN2):c.572G>T (p.Arg191Leu)

Gene: HCN2 (hyperpolarization activated cyclic nucleotide gated potassium and sodium channel 2; plus strand). Cytogenetic location: 19p13.3.
Variant type: single nucleotide variant.
Coding change: c.572G>T on transcript NM_001194.4 (MANE Select); coding-DNA position 572, G replaced by T.
Protein change: p.Arg191Leu; replaces arginine 191 with leucine.
Molecular consequence: missense variant.
Genome position (GRCh38, 1-based): chr19:590,517, G>T. VCF-style: chr19-590517-G-T. GRCh37 (hg19) VCF-style: chr19-590517-G-T.
Other names: short protein forms R191L.
Identifiers: ClinVar variation 4086393 (VCV004086393.1).

ClinVar aggregate classification (germline): Uncertain significance (1 of 4 stars; one submission).

gnomAD v4.1: 1 of 1,514,994 alleles (0.000066%); highest among the groups gnomAD compares: South Asian, 0.0012%; no homozygotes.

Submission:

GeneDx
Classification: Uncertain significance. Last evaluated: 2025-03-19. Review status: criteria provided, single submitter. Criteria: GeneDx Variant Classification Process June 2021. Collection method: clinical testing. Allele origin: germline. Affected: yes.
Comment: Not observed at significant frequency in large population cohorts (gnomAD); In silico analysis indicates that this missense variant does not alter protein structure/function; Has not been previously published as pathogenic or benign to our knowledge